The following is an entry in ClinVar:

ClinVar aggregate classification (germline): Uncertain significance (1 of 4 stars; one submission).

gnomAD v4.1: 2 of 1,614,154 alleles (0.00012%); highest among the groups gnomAD compares: Non-Finnish European, 0.00017%; no homozygotes.

Submission:

GeneDx
Classification: Uncertain significance. Last evaluated: 2019-07-05. Review status: criteria provided, single submitter. Criteria: GeneDx Variant Classification Process June 2021. Collection method: clinical testing. Allele origin: germline. Affected: yes.
Comment: Not observed in large population cohorts (Lek et al., 2016); The majority of missense variants in this gene are considered pathogenic (Stenson et al., 2014); In silico analysis, which includes protein predictors and evolutionary conservation, supports a deleterious effect; Has not been previously published as pathogenic or benign to our knowledge; Substitution is predicted to be within the cytoplasmic loop between the second and third homologous domains

NM_001040142.2(SCN2A):c.3032A>C (p.Gln1011Pro)

Gene: SCN2A (sodium voltage-gated channel alpha subunit 2; plus strand). Cytogenetic location: 2q24.3.
Variant type: single nucleotide variant.
Coding change: c.3032A>C on transcript NM_001040142.2 (MANE Select); coding-DNA position 3032, A replaced by C.
Protein change: p.Gln1011Pro; replaces glutamine 1011 with proline.
Molecular consequence: missense variant.
Genome position (GRCh38, 1-based): chr2:165,354,304, A>C. VCF-style: chr2-165354304-A-C. GRCh37 (hg19) VCF-style: chr2-166210814-A-C.
Other names: c.3032A>C, p.Gln1011Pro (NM_001040143.2, NM_001371246.1, NM_001371247.1 and 1 more transcripts); short protein forms Q1011P.
Identifiers: ClinVar variation 1317213 (VCV001317213.2), dbSNP rs2105336944, ClinGen allele CA349019796.